The following is an entry in ClinVar:

ClinVar aggregate classification (germline): Uncertain significance (1 of 4 stars; one submission).

Conditions:
PLXNA1-related disorder. Also called: PLXNA1-related condition.

Submission:

PreventionGenetics, part of Exact Sciences
Classification: Uncertain significance for PLXNA1-related condition. Last evaluated: 2026-07-29. Review status: criteria provided, single submitter. Criteria: ACMG Guidelines, 2015. Collection method: clinical testing. Allele origin: germline.
Comment: The PLXNA1 c.4873A>G variant is predicted to result in the amino acid substitution p.Ser1625Gly. To our knowledge, this variant has not been reported in the literature. This variant is reported in 0.00094% of alleles in individuals of European (Non-Finnish) descent in gnomAD. At this time, the clinical significance of this variant is uncertain due to the absence of conclusive functional and genetic evidence.

NM_032242.4(PLXNA1):c.4873A>G (p.Ser1625Gly)

Gene: PLXNA1 (plexin A1; plus strand). Cytogenetic location: 3q21.3.
Variant type: single nucleotide variant.
Coding change: c.4873A>G on transcript NM_032242.4 (MANE Select); coding-DNA position 4873, A replaced by G.
Protein change: p.Ser1625Gly; replaces serine 1625 with glycine.
Molecular consequence: missense variant.
Genome position (GRCh38, 1-based): chr3:127,029,876, A>G. VCF-style: chr3-127029876-A-G. GRCh37 (hg19) VCF-style: chr3-126748719-A-G.
Other names: short protein forms S1625G.
Identifiers: ClinVar variation 4984221 (VCV004984221.1).